The following is an entry in ClinVar:

NM_014855.3(AP5Z1):c.*1039G>T

Gene: AP5Z1 (adaptor related protein complex 5 subunit zeta 1; plus strand). Cytogenetic location: 7p22.1.
Variant type: single nucleotide variant.
Coding change: c.*1039G>T on transcript NM_014855.3 (MANE Select); 1039 bases downstream of the stop codon, G replaced by T.
Molecular consequence: 3 prime UTR variant. On other transcripts: non-coding transcript variant (1).
Genome position (GRCh38, 1-based): chr7:4,792,424, G>T. VCF-style: chr7-4792424-G-T. GRCh37 (hg19) VCF-style: chr7-4832055-G-T.
Other names: c.*1039G>T (LRG_1247t1, NM_001364858.1).
Identifiers: ClinVar variation 360373 (VCV000360373.6), dbSNP rs115180718, ClinGen allele CA10624079.
Genomic context (GRCh38, chr7:4,792,424, plus strand): 5'-CTCCCCTCCGGCCTCGGCCCCGCCCCCAATCCCCCATAGCTCTGCGACTAAGAAACCACA[G>T]GCTGAAGGCGACTGCAGGGTCCTGCCCCTTGCCCAGCCTCAGGACTATGGAGGGGGCGAG-3'

ClinVar aggregate classification (germline): Likely benign. Review status: criteria provided, multiple submitters, no conflicts (2 of 4 stars). 2 submissions from 2 submitters: Likely benign (2). Last evaluated 2018-01-12.

Conditions:
Hereditary spastic paraplegia 48. Also called: SPASTIC PARAPLEGIA 48, AUTOSOMAL RECESSIVE; Spastic paraplegia 48. Identifiers: Orphanet 306511, MedGen C3150901, MONDO:0013342, OMIM 613647.

Allele frequency attached by ClinVar (database versions not stated): 1000 Genomes Project 0.01617; 1000 Genomes Project 30x 0.01671; TOPMed 0.01961.

Submissions (2):

Illumina Laboratory Services, Illumina
Classification: Likely benign for Hereditary spastic paraplegia 48. Last evaluated: 2018-01-12. Review status: criteria provided, single submitter. Criteria: ICSL Variant Classification Criteria 13 December 2019. Collection method: clinical testing. Allele origin: germline.
Comment: This variant was observed in the ICSL laboratory as part of a predisposition screen in an ostensibly healthy population. It had not been previously curated by ICSL or reported in the Human Gene Mutation Database (HGMD: prior to June 1st, 2018), and was therefore a candidate for classification through an automated scoring system. Utilizing variant allele frequency, disease prevalence and penetrance estimates, and inheritance mode, an automated score was calculated to assess if this variant is too frequent to cause the disease. Based on the score and internal cut-off values, a variant classified as likely benign is not then subjected to further curation. The score for this variant resulted in a classification of likely benign for this disease.

Breakthrough Genomics
Classification: Likely benign. Review status: criteria provided, single submitter. Criteria: ACMG Guidelines, 2015. Collection method: not provided. Allele origin: germline. Inheritance: Autosomal recessive inheritance. Affected: yes.